The following is an entry in ClinVar:

ClinVar aggregate classification (germline): Likely benign (1 of 4 stars; one submission).

Conditions:
THBS1-related disorder. Also called: THBS1-related condition.

gnomAD v4.1: 51 of 1,610,298 alleles (0.0032%); highest among the groups gnomAD compares: Non-Finnish European, 0.0043%; no homozygotes.

Submission:

PreventionGenetics, part of Exact Sciences
Classification: Likely benign for THBS1-related condition. Last evaluated: 2024-12-19. Review status: criteria provided, single submitter. Criteria: ACMG Guidelines, 2015. Collection method: clinical testing. Allele origin: germline.
Comment: This variant is classified as likely benign based on ACMG/AMP sequence variant interpretation guidelines (Richards et al. 2015 PMID: 25741868, with internal and published modifications).

NM_003246.4(THBS1):c.2532+5G>T

Gene: THBS1 (thrombospondin 1; plus strand). Cytogenetic location: 15q14.
Variant type: single nucleotide variant.
Coding change: c.2532+5G>T on transcript NM_003246.4 (MANE Select); 5 bases into the intron after coding-DNA position 2532, G replaced by T.
Molecular consequence: intron variant.
Genome position (GRCh38, 1-based): chr15:39,591,628, G>T. VCF-style: chr15-39591628-G-T. GRCh37 (hg19) VCF-style: chr15-39883829-G-T.
Identifiers: ClinVar variation 4978213 (VCV004978213.1).